The following is an entry in ClinVar:

NM_007294.4(BRCA1):c.5152+7A>G

Gene: BRCA1 (BRCA1 DNA repair associated; minus strand). Cytogenetic location: 17q21.31.
Variant type: single nucleotide variant.
Coding change: c.5152+7A>G on transcript NM_007294.4 (MANE Select); 7 bases into the intron after coding-DNA position 5152, A replaced by G.
Molecular consequence: intron variant.
Genome position (GRCh38, 1-based): chr17:43,063,867, T>C on the plus strand (A>G on the coding strand, the complement: BRCA1 is on the minus strand). VCF-style: chr17-43063867-T-C. GRCh37 (hg19) VCF-style: chr17-41215884-T-C.
Other names: IVS18+7A>G; c.1699+7A>G (NM_001408458.1, NM_001408461.1, NM_001408464.1 and 7 more transcripts); c.4261+7A>G (NM_001407967.1); c.4771+7A>G (NM_001407959.1); c.4885+7A>G (NM_001407931.1, NM_001407932.1, NM_001407928.1 and 4 more transcripts); c.5008+7A>G (NM_001407747.1, NM_001407745.1, NM_001407737.1 and 21 more transcripts); c.4768+7A>G (NM_001407962.1, NM_001407960.1); c.1339+7A>G (NM_001408512.1); and 74 more.
Identifiers: ClinVar variation 96940 (VCV000096940.27), dbSNP rs80358046, ClinGen allele CA003293.
Genomic context (GRCh38, chr17:43,063,867, plus strand): 5'-ACGTTAGGTGTAAAAATGCAATTCTGAGGTGTTAAAGGGAGGAGGGGAGAAATAGTATTA[T>C]ACTTACAGAAATAGCTAACTACCCATTTTCCTCCCGCAATTCCTAGAAAATATTTCAGTG-3'

ClinVar aggregate classification (germline): Conflicting classifications of pathogenicity. Review status: criteria provided, conflicting classifications (1 of 4 stars). 8 submissions from 8 submitters: Likely pathogenic (1); Uncertain significance (4); Likely benign (1). 2 of the submissions do not count toward it. Last evaluated 2025-10-09.

Conditions:
Breast-ovarian cancer, familial, susceptibility to, 1 (BROVCA1). Also called: BRCA1 Hereditary Breast and Ovarian Cancer; OVARIAN CANCER, SUSCEPTIBILITY TO. Identifiers: Orphanet 145, MedGen C2676676, MONDO:0011450, OMIM 604370. Disease mechanism: loss of function.
Hereditary cancer-predisposing syndrome. Also called: Hereditary Cancer Syndrome; Neoplastic Syndromes, Hereditary; Hereditary neoplastic syndrome; Tumor predisposition. Identifiers: Orphanet 140162, MedGen C0027672, MeSH D009386, MONDO:0015356.
Hereditary breast ovarian cancer syndrome. Also called: Hereditary breast and/or ovarian cancer syndrome; Hereditary breast and ovarian cancer syndrome; Hereditary breast and ovarian cancer; Hereditary breast and ovarian cancer syndrome (HBOC); Breast and ovarian cancer; BRCA1- and BRCA2-Associated Hereditary Breast and Ovarian Cancer. Identifiers: Orphanet 145, MedGen C0677776, MeSH D061325, MONDO:0003582. Disease mechanism: loss of function.

Allele frequency attached by ClinVar (database versions not stated): gnomAD exomes below 0.00001; TOPMed below 0.00001.
gnomAD v4.1: 1 of 1,608,686 alleles (0.000062%); highest among the groups gnomAD compares: African/African-American, 0.0013%; no homozygotes.

Submissions (9):

Labcorp Genetics (formerly Invitae), Labcorp
Classification: Uncertain significance for Hereditary breast ovarian cancer syndrome. Last evaluated: 2025-10-09. Review status: criteria provided, single submitter. Criteria: Invitae Variant Classification Sherloc (09022015). Collection method: clinical testing. Allele origin: germline.
Comment: This sequence change falls in intron 17 of the BRCA1 gene. It does not directly change the encoded amino acid sequence of the BRCA1 protein. RNA analysis indicates that this variant induces altered splicing and likely results in a shortened protein product. This variant is not present in population databases (gnomAD no frequency). This variant has not been reported in the literature in individuals affected with BRCA1-related conditions. ClinVar contains an entry for this variant (Variation ID: 96940). Algorithms developed to predict the effect of variants on gene product structure and function are not available or were not evaluated for this variant. Experimental studies have shown that this variant affects BRCA1 function (PMID: 30209399). Studies have shown that this variant results in skipping of exon 17, but is expected to preserve the integrity of the reading-frame (internal data). In summary, the available evidence is currently insufficient to determine the role of this variant in disease. Therefore, it has been classified as a Variant of Uncertain Significance.

Women's Health and Genetics/Laboratory Corporation of America, LabCorp
Classification: Likely pathogenic for Hereditary breast ovarian cancer syndrome. Last evaluated: 2025-06-12. Review status: criteria provided, single submitter. Criteria: LabCorp Variant Classification Summary - May 2015. Collection method: clinical testing. Allele origin: germline.
Comment: Variant summary: BRCA1 c.5152+7A>G alters a non-conserved nucleotide located at a position not widely known to affect splicing. Consensus agreement among computation tools predict no significant impact on normal splicing. Studies have shown that this variant results in skipping of exon 17, but is expected to preserve the integrity of the reading-frame (internal data). Further, a pathogenic variant has been reported by our laboratory in the deleted exon (p.Cys1697Tyr) suggesting that loss of this region is deleterious to protein function. The variant allele was found at a frequency of 6.2e-07 in 1608686 control chromosomes. c.5152+7A>G has been observed in individual(s) affected with clinical features Hereditary Breast And Ovarian Cancer Syndrome (BIC database). These report(s) do not provide unequivocal conclusions about association of the variant with Hereditary Breast And Ovarian Cancer Syndrome. At least one functional study reports experimental evidence evaluating an impact on protein function and showed a damaging effect of this variant on homology directed repair (HDR) activity (e.g. Findlay_2018). HDR assays qualify as a recognized gold standard on the basis of updated guidance provided by the ClinGen Sequence Variant Interpretation (SVI) working group. The following publication has been ascertained in the context of this evaluation (PMID: 30209399). ClinVar contains an entry for this variant (Variation ID: 96940). Based on the evidence outlined above, the variant was classified as likely pathogenic.

Ambry Genetics
Classification: Uncertain significance for Hereditary cancer-predisposing syndrome. Last evaluated: 2024-11-15. Review status: criteria provided, single submitter. Criteria: Ambry Variant Classification Scheme 2023. Collection method: clinical testing. Allele origin: germline.
Comment: The c.5152+7A>G intronic alteration results from an A to G substitution 7 nucleotides after coding exon 16 in the BRCA1 gene. One functional study found that this nucleotide substitution is non-functional in a high-throughput, genome editing, haploid cell survival assay (Findlay GM et al. Nature, 2018 10;562:217-222). However, other functional studies have found this variant to be neutral (unpublished data, external communication). This nucleotide position is well conserved in available vertebrate species. In silico splice site analysis predicts that this alteration may weaken the native splice donor site. RNA studies have demonstrated that this alteration results in abnormal splicing in the set of samples tested (Ambry internal data). However, additional studies have suggested that this splicing impact may be incomplete, therefore the clinical impact of this abnormal splicing is unknown at this time (external communication). In addition, family history data suggests that this variant does not segregate well with disease, and one laboratory reports that this alteration has been confirmed to occur in trans with another pathogenic mutation in BRCA1 in an individual with no reported features of Fanconi anemia (external communication). Based on the available evidence, the clinical significance of this variant remains unclear.

Color Diagnostics, LLC DBA Color Health
Classification: Uncertain significance for Hereditary cancer-predisposing syndrome. Last evaluated: 2024-04-26. Review status: criteria provided, single submitter. Criteria: ACMG Guidelines, 2015. Collection method: clinical testing. Allele origin: germline.
Comment: This variant causes an A to G nucleotide substitution at the +7 position of intron 17 of the BRCA1 gene. Splice site prediction tools predict that this variant may have a significant impact on RNA splicing. Although this prediction has not been confirmed in published RNA studies. A functional study has reported that this variant impacts BRCA1 function in a haploid cell proliferation assay (PMID: 30209399). A multifactorial analysis has reported likelihood ratios for pathogenicity based on co-occurrence with a pathogenic co-variant and family history of 1.0331 and 0.8935, respectively (PMID: 31131967). This variant has not been identified in the general population by the Genome Aggregation Database (gnomAD). The available evidence is insufficient to determine the role of this variant in disease conclusively. Therefore, this variant is classified as a Variant of Uncertain Significance.

Quest Diagnostics Nichols Institute San Juan Capistrano
Classification: Uncertain significance. Last evaluated: 2021-05-24. Review status: criteria provided, single submitter. Criteria: Quest Diagnostics criteria. Collection method: clinical testing. Allele origin: unknown.

GeneDx
Classification: Likely benign. Last evaluated: 2016-08-17. Review status: criteria provided, single submitter. Criteria: GeneDx Variant Classification (06012015). Collection method: clinical testing. Allele origin: germline. Affected: yes.
Comment: This variant is considered likely benign or benign based on one or more of the following criteria: it is a conservative change, it occurs at a poorly conserved position in the protein, it is predicted to be benign by multiple in silico algorithms, and/or has population frequency not consistent with disease.

Sharing Clinical Reports Project (SCRP)
Classification: Benign for Breast-ovarian cancer, familial 1. Last evaluated: 2011-05-10. Review status: no assertion criteria provided. Collection method: clinical testing. Allele origin: germline. Not counted in ClinVar's aggregate classification.

Breast Cancer Information Core (BIC) (BRCA1)
Classification: Uncertain significance for Breast-ovarian cancer, familial 1. Last evaluated: 2004-02-20. Review status: no assertion criteria provided. Collection method: clinical testing. Allele origin: germline. Affected: yes. Observed: 1 variant allele. Not counted in ClinVar's aggregate classification.

Brotman Baty Institute, University of Washington
No classification provided (evidence only). Condition: Breast-ovarian cancer, familial 1. Review status: no classification provided. Collection method: in vitro. Allele origin: not applicable. Functional consequence: functionally_abnormal. Not counted in ClinVar's aggregate classification.
ClinVar note: "not provided" was previously submitted as the classification for the variant. However, the classification appeared to be based only on an observation of functional data so it was converted to no classification on 2025-07-30.

Literature cited by the submitters: PubMed 30209399 (cited by 5 submitters); PubMed 31131967 (cited by Color Diagnostics, LLC DBA Color Health and Quest Diagnostics Nichols Institute San Juan Capistrano).